The following is an entry in ClinVar:

NM_018392.5(ZGRF1):c.142C>A (p.Leu48Met)

Gene: ZGRF1 (zinc finger GRF-type containing 1; minus strand). Cytogenetic location: 4q25.
Variant type: single nucleotide variant.
Coding change: c.142C>A on transcript NM_018392.5 (MANE Select); coding-DNA position 142, C replaced by A.
Protein change: p.Leu48Met; replaces leucine 48 with methionine.
Molecular consequence: missense variant.
Genome position (GRCh38, 1-based): chr4:112,623,837, G>T on the plus strand (C>A on the coding strand, the complement: ZGRF1 is on the minus strand). VCF-style: chr4-112623837-G-T. GRCh37 (hg19) VCF-style: chr4-113544993-G-T.
Other names: NC_000004.11:g.113544993G>T; c.142C>A, p.Leu48Met (NM_001350397.2); short protein forms L48M.
Identifiers: ClinVar variation 617844 (VCV000617844.7), dbSNP rs61745597, ClinGen allele CA3048823.

ClinVar aggregate classification (germline): Benign/Likely benign. Review status: criteria provided, multiple submitters, no conflicts (2 of 4 stars). 4 submissions from 4 submitters: Benign (1); Likely benign (1). 2 of the submissions do not count toward it. Last evaluated 2023-04-17.

Conditions:
Autism spectrum disorder. Also called: Autism spectrum disorders. Identifiers: MedGen C1510586, MeSH D000067877, MONDO:0005258.
Childhood apraxia of speech (SPCH1). Also called: DEVELOPMENTAL VERBAL DYSPRAXIA; FOXP2-Related Speech and Language Disorder; Speech language disorder; SPEECH AND LANGUAGE DISORDER WITH OROFACIAL DYSPRAXIA. Identifiers: Orphanet 209908, MedGen C0750927, MONDO:0011184, OMIM 602081.

Allele frequency attached by ClinVar (database versions not stated): TOPMed 0.01340; ExAC 0.01409; 1000 Genomes Project 0.02037; 1000 Genomes Project 30x 0.02046; ESP Exome Variant Server 0.00880.
gnomAD v4.1: 15,743 of 1,581,964 alleles (1%); highest among the groups gnomAD compares: Middle Eastern, 3.4%; 151 homozygotes.

Submissions (17):

Department of Pathology and Laboratory Medicine, Sinai Health System
Classification: Likely benign. Last evaluated: 2023-04-17. Review status: criteria provided, single submitter. Criteria: ACMG Guidelines, 2015. Collection method: research. Allele origin: germline.

Mendelics
Classification: Benign. Last evaluated: 2022-05-04. Review status: criteria provided, single submitter. Criteria: Mendelics Assertion Criteria 2019. Collection method: clinical testing. Allele origin: germline.

Gene Friend Way, National Innovation Center
Classification: Likely pathogenic for Autism spectrum disorder. Last evaluated: 2023-07-28. Review status: no assertion criteria provided. Collection method: clinical testing. Allele origin: unknown. Affected: yes. Observed: 7 variant alleles. Not counted in ClinVar's aggregate classification.
Comment: Missense mutation. The ZGRF1 gene product localizes to the cell nucleus and promotes DNA repair by stimulating homologous recombination. ZGRF1 variants have been associated with speech and language disorders (PMID: 21663442). This variant has been found in patients with childhood apraxia of speech (PMID: 27120335). In our study, seven children diagnosed with autism spectrum disorder carry both ZGRF1 rs61745597 and ZGRF1 rs76187047.

University of Washington Center for Mendelian Genomics, University of Washington
Classification: Likely pathogenic for Childhood apraxia of speech. Last evaluated: 2016-04-27. Review status: no assertion criteria provided. Collection method: research. Allele origin: inherited. Affected: yes. Observed: 9 heterozygotes. Not counted in ClinVar's aggregate classification.

Dr. Peter K. Rogan Lab, Western University
No classification provided (evidence only). Condition: Lung cancer. Review status: no classification provided. Collection method: in vitro. Allele origin: not applicable. Functional consequence: retained intron. Not counted in ClinVar's aggregate classification.

Dr. Peter K. Rogan Lab, Western University
No classification provided (evidence only). Condition: Acute myeloid leukemia. Review status: no classification provided. Collection method: in vitro. Allele origin: not applicable. Functional consequence: retained intron. Not counted in ClinVar's aggregate classification.

Dr. Peter K. Rogan Lab, Western University
No classification provided (evidence only). Condition: Acute myeloid leukemia. Review status: no classification provided. Collection method: in vitro. Allele origin: not applicable. Functional consequence: skipped exon. Not counted in ClinVar's aggregate classification.

Dr. Peter K. Rogan Lab, Western University
No classification provided (evidence only). Condition: Thyroid cancer, nonmedullary, 1. Review status: no classification provided. Collection method: in vitro. Allele origin: not applicable. Functional consequence: retained intron. Not counted in ClinVar's aggregate classification.

Dr. Peter K. Rogan Lab, Western University
No classification provided (evidence only). Condition: Thyroid cancer, nonmedullary, 1. Review status: no classification provided. Collection method: in vitro. Allele origin: not applicable. Functional consequence: retained intron. Not counted in ClinVar's aggregate classification.

Dr. Peter K. Rogan Lab, Western University
No classification provided (evidence only). Condition: Thyroid cancer, nonmedullary, 1. Review status: no classification provided. Collection method: in vitro. Allele origin: not applicable. Functional consequence: skipped exon, retained intron. Not counted in ClinVar's aggregate classification.

Dr. Peter K. Rogan Lab, Western University
No classification provided (evidence only). Condition: Cervical cancer. Review status: no classification provided. Collection method: in vitro. Allele origin: not applicable. Functional consequence: skipped exon, retained intron. Not counted in ClinVar's aggregate classification.

Dr. Peter K. Rogan Lab, Western University
No classification provided (evidence only). Condition: Cervical cancer. Review status: no classification provided. Collection method: in vitro. Allele origin: not applicable. Functional consequence: retained intron. Not counted in ClinVar's aggregate classification.

Dr. Peter K. Rogan Lab, Western University
No classification provided (evidence only). Condition: Cervical cancer. Review status: no classification provided. Collection method: in vitro. Allele origin: not applicable. Functional consequence: skipped exon. Not counted in ClinVar's aggregate classification.

Dr. Peter K. Rogan Lab, Western University
No classification provided (evidence only). Condition: Hepatocellular carcinoma. Review status: no classification provided. Collection method: in vitro. Allele origin: not applicable. Functional consequence: retained intron. Not counted in ClinVar's aggregate classification.

Dr. Peter K. Rogan Lab, Western University
No classification provided (evidence only). Condition: Nonpapillary renal cell carcinoma. Review status: no classification provided. Collection method: in vitro. Allele origin: not applicable. Functional consequence: retained intron. Not counted in ClinVar's aggregate classification.

Dr. Peter K. Rogan Lab, Western University
No classification provided (evidence only). Condition: Thymoma. Review status: no classification provided. Collection method: in vitro. Allele origin: not applicable. Functional consequence: retained intron. Not counted in ClinVar's aggregate classification.

Dr. Peter K. Rogan Lab, Western University
No classification provided (evidence only). Condition: Adrenocortical carcinoma, hereditary. Review status: no classification provided. Collection method: in vitro. Allele origin: not applicable. Functional consequence: retained intron. Not counted in ClinVar's aggregate classification.

Literature cited by the submitters: PubMed 27120335 (cited by University of Washington Center for Mendelian Genomics, University of Washington).